The following is an entry in ClinVar:

NM_006279.5(ST3GAL3):c.973G>A (p.Asp325Asn)

Gene: ST3GAL3 (ST3 beta-galactoside alpha-2,3-sialyltransferase 3; plus strand). Cytogenetic location: 1p34.1.
Variant type: single nucleotide variant.
Coding change: c.973G>A on transcript NM_006279.5 (MANE Select); coding-DNA position 973, G replaced by A.
Protein change: p.Asp325Asn; replaces aspartic acid 325 with asparagine.
Molecular consequence: missense variant. On other transcripts: non-coding transcript variant (6), intron variant (11).
Genome position (GRCh38, 1-based): chr1:43,920,863, G>A. VCF-style: chr1-43920863-G-A. GRCh37 (hg19) VCF-style: chr1-44386535-G-A.
Other names: c.973G>A (NM_006279.2); c.883G>A, p.Asp295Asn (NM_001270459.2); c.880G>A, p.Asp294Asn (NM_001270460.2); c.1018G>A, p.Asp340Asn (NM_001350619.2, NM_174964.4); c.973G>A, p.Asp325Asn (NM_001350620.2); c.694G>A, p.Asp232Asn (NM_001350621.2); c.1180G>A, p.Asp394Asn (NM_174963.5); c.1135G>A, p.Asp379Asn (NM_174968.5); and 13 more; short protein forms D325N, D309N, D394N, D294N, D295N, D363N, D379N, D232N.
Identifiers: ClinVar variation 840744 (VCV000840744.7), dbSNP rs373761336, ClinGen allele CA814855.
Genomic context (GRCh38, chr1:43,920,863, plus strand): 5'-GTGGCAGTGACCATGGCACTACACGGCTGTGACGAGGTGGCAGTCGCAGGATTTGGCTAT[G>A]ACATGAGCACACCCAACGCACCCCTGCACTACTATGAGACCGTTCGCATGGCAGCCATCA-3'
Protein context (NP_006270.1, residues 315-335): DEVAVAGFGY[Asp325Asn]MSTPNAPLHY

ClinVar aggregate classification (germline): Uncertain significance. Review status: criteria provided, multiple submitters, no conflicts (2 of 4 stars). 2 submissions from 2 submitters: Uncertain significance (2). Last evaluated 2025-09-25.

Conditions:
Developmental and epileptic encephalopathy. Identifiers: MedGen C5779964, MONDO:0100620.
Inborn genetic diseases. Identifiers: MedGen C0950123, MeSH D030342.

Allele frequency attached by ClinVar (database versions not stated): gnomAD exomes below 0.00001; TOPMed 0.00002; ExAC 0.00002; gnomAD 0.00003; ESP Exome Variant Server 0.00008.
gnomAD v4.1: 10 of 1,613,802 alleles (0.00062%); highest among the groups gnomAD compares: Non-Finnish European, 0.00085%; no homozygotes.

Submissions (2):

Ambry Genetics
Classification: Uncertain significance for Inborn genetic diseases. Last evaluated: 2025-09-25. Review status: criteria provided, single submitter. Criteria: Ambry Variant Classification Scheme 2023. Collection method: clinical testing. Allele origin: germline.

Labcorp Genetics (formerly Invitae), Labcorp
Classification: Uncertain significance for Early-infantile DEE. Last evaluated: 2023-11-28. Review status: criteria provided, single submitter. Criteria: Invitae Variant Classification Sherloc (09022015). Collection method: clinical testing. Allele origin: germline.
Comment: This sequence change replaces aspartic acid, which is acidic and polar, with asparagine, which is neutral and polar, at codon 325 of the ST3GAL3 protein (p.Asp325Asn). This variant is present in population databases (rs373761336, gnomAD 0.002%). This variant has not been reported in the literature in individuals affected with ST3GAL3-related conditions. ClinVar contains an entry for this variant (Variation ID: 840744). Advanced modeling of protein sequence and biophysical properties (such as structural, functional, and spatial information, amino acid conservation, physicochemical variation, residue mobility, and thermodynamic stability) performed at Invitae indicates that this missense variant is not expected to disrupt ST3GAL3 protein function with a negative predictive value of 80%. In summary, the available evidence is currently insufficient to determine the role of this variant in disease. Therefore, it has been classified as a Variant of Uncertain Significance.